The following is an entry in ClinVar:

NM_001379210.1(SLC25A26):c.453+310C>T

Gene: SLC25A26 (solute carrier family 25 member 26; plus strand). Cytogenetic location: 3p14.1.
Variant type: single nucleotide variant.
Coding change: c.453+310C>T on transcript NM_001379210.1 (MANE Select); 310 bases into the intron after coding-DNA position 453, C replaced by T.
Molecular consequence: intron variant.
Genome position (GRCh38, 1-based): chr3:66,263,689, C>T. VCF-style: chr3-66263689-C-T. GRCh37 (hg19) VCF-style: chr3-66314113-C-T.
Other names: c.453+310C>T (NM_173471.4); c.189+310C>T (NM_001350993.1, NM_001164796.1).
Identifiers: ClinVar variation 673403 (VCV000673403.1), dbSNP rs6770372, ClinGen allele CA76494611.

ClinVar aggregate classification (germline): Benign (1 of 4 stars; one submission).

Allele frequency attached by ClinVar (database versions not stated): gnomAD 0.03116 and 0.03327; TOPMed 0.03524; 1000 Genomes Project 0.03774; 1000 Genomes Project 30x 0.03935.
gnomAD v4.1: 4,689 of 152,026 alleles (3.1%); highest among the groups gnomAD compares: African/African-American, 11%; 242 homozygotes.

Submission:

GeneDx
Classification: Benign. Last evaluated: 2018-06-16. Review status: criteria provided, single submitter. Criteria: GeneDx Variant Classification (06012015). Collection method: clinical testing. Allele origin: germline. Affected: yes.
Comment: This variant is considered likely benign or benign based on one or more of the following criteria: it is a conservative change, it occurs at a poorly conserved position in the protein, it is predicted to be benign by multiple in silico algorithms, and/or has population frequency not consistent with disease.